The following is an entry in ClinVar:

ClinVar aggregate classification (germline): Uncertain significance (1 of 4 stars; one submission).

Conditions:
Noonan syndrome 8 (NS8). Identifiers: Orphanet 648, MedGen C3809233, MONDO:0014143, OMIM 615355.

gnomAD v4.1: 2 of 1,614,208 alleles (0.00012%); highest among the groups gnomAD compares: Non-Finnish European, 0.00017%; no homozygotes.

Submission:

Labcorp Genetics (formerly Invitae), Labcorp
Classification: Uncertain significance for Noonan syndrome 8. Last evaluated: 2025-02-11. Review status: criteria provided, single submitter. Criteria: Invitae Variant Classification Sherloc (09022015). Collection method: clinical testing. Allele origin: germline.
Comment: This sequence change replaces lysine, which is basic and polar, with glutamic acid, which is acidic and polar, at codon 198 of the RIT1 protein (p.Lys198Glu). This variant is not present in population databases (gnomAD no frequency). This variant has not been reported in the literature in individuals affected with RIT1-related conditions. Invitae Evidence Modeling of protein sequence and biophysical properties (such as structural, functional, and spatial information, amino acid conservation, physicochemical variation, residue mobility, and thermodynamic stability) indicates that this missense variant is not expected to disrupt RIT1 protein function with a negative predictive value of 95%. In summary, the available evidence is currently insufficient to determine the role of this variant in disease. Therefore, it has been classified as a Variant of Uncertain Significance.

NM_006912.6(RIT1):c.592A>G (p.Lys198Glu)

Gene: RIT1 (Ras like without CAAX 1; minus strand). Cytogenetic location: 1q22.
Variant type: single nucleotide variant.
Coding change: c.592A>G on transcript NM_006912.6 (MANE Select); coding-DNA position 592, A replaced by G.
Protein change: p.Lys198Glu; replaces lysine 198 with glutamic acid.
Molecular consequence: missense variant.
Genome position (GRCh38, 1-based): chr1:155,900,456, T>C on the plus strand (A>G on the coding strand, the complement: RIT1 is on the minus strand). VCF-style: chr1-155900456-T-C. GRCh37 (hg19) VCF-style: chr1-155870247-T-C.
Other names: c.484A>G, p.Lys162Glu (NM_001256820.2); c.643A>G, p.Lys215Glu (NM_001256821.2); short protein forms K162E, K198E, K215E.
Identifiers: ClinVar variation 4799944 (VCV004799944.1).
Genomic context (GRCh38, chr1:155,900,456, plus strand): 5'-CTGAATCTTTCTTCTTCCGGAATGGTGATTTTAGCCTCTTCCATACACTGTTTTTGGGCT[T>C]AGATTTTTTCTCCATGGCCAGTACTGCCTCCTTTTCTTTCCTACGTATCTCCCGTACAAG-3'
Protein context (NP_008843.1, residues 188-208): EAVLAMEKKS[Lys198Glu]PKNSVWKRLK